The following is an entry in ClinVar:

ClinVar aggregate classification (germline): Uncertain significance (1 of 4 stars; one submission).

Allele frequency attached by ClinVar (database versions not stated): gnomAD exomes 0.00001; ExAC 0.00003.

Submission:

Labcorp Genetics (formerly Invitae), Labcorp
Classification: Uncertain significance. Last evaluated: 2025-06-24. Review status: criteria provided, single submitter. Criteria: Invitae Variant Classification Sherloc (09022015). Collection method: clinical testing. Allele origin: germline.
Comment: This sequence change replaces threonine, which is neutral and polar, with methionine, which is neutral and non-polar, at codon 160 of the DNA2 protein (p.Thr160Met). The frequency data for this variant in the population databases is considered unreliable, as metrics indicate poor data quality at this position in the gnomAD database. This variant has not been reported in the literature in individuals affected with DNA2-related conditions. ClinVar contains an entry for this variant (Variation ID: 2419194). Invitae Evidence Modeling of protein sequence and biophysical properties (such as structural, functional, and spatial information, amino acid conservation, physicochemical variation, residue mobility, and thermodynamic stability) indicates that this missense variant is expected to disrupt DNA2 protein function with a positive predictive value of 80%. In summary, the available evidence is currently insufficient to determine the role of this variant in disease. Therefore, it has been classified as a Variant of Uncertain Significance.

NM_001080449.3(DNA2):c.479C>T (p.Thr160Met)

Gene: DNA2 (DNA replication helicase/nuclease 2; minus strand). Cytogenetic location: 10q21.3.
Variant type: single nucleotide variant.
Coding change: c.479C>T on transcript NM_001080449.3 (MANE Select); coding-DNA position 479, C replaced by T.
Protein change: p.Thr160Met; replaces threonine 160 with methionine.
Molecular consequence: missense variant. On other transcripts: non-coding transcript variant (1).
Genome position (GRCh38, 1-based): chr10:68,465,775, G>A on the plus strand (C>T on the coding strand, the complement: DNA2 is on the minus strand). VCF-style: chr10-68465775-G-A. GRCh37 (hg19) VCF-style: chr10-70225532-G-A.
Other names: short protein forms T160M.
Identifiers: ClinVar variation 2419194 (VCV002419194.6), dbSNP rs769532900, ClinGen allele CA5525282.